The following is an entry in ClinVar:

NM_001130144.3(LTBP3):c.1843G>A (p.Val615Met)

Gene: LTBP3 (latent transforming growth factor beta binding protein 3; minus strand). Cytogenetic location: 11q13.1.
Variant type: single nucleotide variant.
Coding change: c.1843G>A on transcript NM_001130144.3 (MANE Select); coding-DNA position 1843, G replaced by A.
Protein change: p.Val615Met; replaces valine 615 with methionine.
Molecular consequence: missense variant.
Genome position (GRCh38, 1-based): chr11:65,547,923, C>T on the plus strand (G>A on the coding strand, the complement: LTBP3 is on the minus strand). VCF-style: chr11-65547923-C-T. GRCh37 (hg19) VCF-style: chr11-65315394-C-T.
Other names: c.1492G>A, p.Val498Met (NM_001164266.1); c.1843G>A, p.Val615Met (NM_021070.4); short protein forms V498M, V615M.
Identifiers: ClinVar variation 3233152 (VCV003233152.1), dbSNP rs1856448635, ClinGen allele CA381271764.

ClinVar aggregate classification (germline): Uncertain significance (1 of 4 stars; one submission).

Conditions:
Inborn genetic diseases. Identifiers: MedGen C0950123, MeSH D030342.

Allele frequency attached by ClinVar (database versions not stated): gnomAD exomes below 0.00001; TOPMed below 0.00001.
gnomAD v4.1: 1 of 1,613,800 alleles (0.000062%); highest among the groups gnomAD compares: Non-Finnish European, 0.000085%; no homozygotes.

Submission:

Ambry Genetics
Classification: Uncertain significance for Inborn genetic diseases. Last evaluated: 2024-03-04. Review status: criteria provided, single submitter. Criteria: Ambry Variant Classification Scheme 2023. Collection method: clinical testing. Allele origin: germline.
Comment: The p.V615M variant (also known as c.1843G>A), located in coding exon 12 of the LTBP3 gene, results from a G to A substitution at nucleotide position 1843. The valine at codon 615 is replaced by methionine, an amino acid with highly similar properties. This amino acid position is conserved. In addition, the in silico prediction for this alteration is inconclusive. Based on the available evidence, the clinical significance of this alteration remains unclear.